The following is an entry in ClinVar:

ClinVar aggregate classification (germline): Uncertain significance. Review status: criteria provided, multiple submitters, no conflicts (2 of 4 stars). 5 submissions from 5 submitters: Uncertain significance (5). Last evaluated 2024-02-27.

Conditions:
Inborn genetic diseases. Identifiers: MedGen C0950123, MeSH D030342.
LAMA2-related muscular dystrophy (LAMA2-RD). Also called: Laminin alpha 2-related dystrophy. Identifiers: MedGen C5679788, MONDO:0100228.
Merosin deficient congenital muscular dystrophy (MDC1A). Also called: Congenital merosin-deficient muscular dystrophy 1A; Congenital Muscular Dystrophy Type 1A (MDC1A). Identifiers: Orphanet 258, MedGen C1263858, MONDO:0011925, OMIM 607855.
Muscular dystrophy, limb-girdle, autosomal recessive 23. Identifiers: Orphanet 565837, MedGen C4748327, MONDO:0029136, OMIM 618138.

Allele frequency attached by ClinVar (database versions not stated): ExAC 0.00002; gnomAD 0.00002 and 0.00003; TOPMed 0.00007; ESP Exome Variant Server 0.00008; gnomAD exomes 0.00010.
gnomAD v4.1: 149 of 1,611,506 alleles (0.0092%); highest among the groups gnomAD compares: Non-Finnish European, 0.012%; no homozygotes.

Submissions (5):

Revvity Omics, Revvity
Classification: Uncertain significance. Last evaluated: 2024-02-27. Review status: criteria provided, single submitter. Criteria: ACMG Guidelines, 2015. Collection method: clinical testing. Allele origin: germline.

Labcorp Genetics (formerly Invitae), Labcorp
Classification: Uncertain significance for LAMA2-related muscular dystrophy. Last evaluated: 2022-08-16. Review status: criteria provided, single submitter. Criteria: Invitae Variant Classification Sherloc (09022015). Collection method: clinical testing. Allele origin: germline.
Comment: This sequence change replaces valine, which is neutral and non-polar, with alanine, which is neutral and non-polar, at codon 283 of the LAMA2 protein (p.Val283Ala). This variant is present in population databases (rs376917587, gnomAD 0.007%). This variant has not been reported in the literature in individuals affected with LAMA2-related conditions. ClinVar contains an entry for this variant (Variation ID: 426679). Algorithms developed to predict the effect of missense changes on protein structure and function are either unavailable or do not agree on the potential impact of this missense change (SIFT: "Deleterious"; PolyPhen-2: "Probably Damaging"; Align-GVGD: "Class C0"). In summary, the available evidence is currently insufficient to determine the role of this variant in disease. Therefore, it has been classified as a Variant of Uncertain Significance.

Ambry Genetics
Classification: Uncertain significance for Inborn genetic diseases. Last evaluated: 2022-06-13. Review status: criteria provided, single submitter. Criteria: Ambry Variant Classification Scheme 2023. Collection method: clinical testing. Allele origin: germline.

Fulgent Genetics
Classification: Uncertain significance for Merosin deficient congenital muscular dystrophy; Muscular dystrophy, limb-girdle, autosomal recessive 23. Last evaluated: 2022-05-17. Review status: criteria provided, single submitter. Criteria: ACMG Guidelines, 2015. Collection method: clinical testing. Allele origin: unknown.

GeneDx
Classification: Uncertain significance. Last evaluated: 2021-08-31. Review status: criteria provided, single submitter. Criteria: GeneDx Variant Classification Process June 2021. Collection method: clinical testing. Allele origin: germline. Affected: yes.
Comment: Not observed at significant frequency in large population cohorts (Lek et al., 2016); In silico analysis supports that this missense variant has a deleterious effect on protein structure/function; Has not been previously published as pathogenic or benign to our knowledge

Literature cited by the submitters: PubMed 33077954 (cited by Ambry Genetics).

NM_000426.4(LAMA2):c.848T>C (p.Val283Ala)

Gene: LAMA2 (laminin subunit alpha 2; plus strand). Cytogenetic location: 6q22.33.
Variant type: single nucleotide variant.
Coding change: c.848T>C on transcript NM_000426.4 (MANE Select); coding-DNA position 848, T replaced by C.
Protein change: p.Val283Ala; replaces valine 283 with alanine.
Molecular consequence: missense variant.
Genome position (GRCh38, 1-based): chr6:129,146,987, T>C. VCF-style: chr6-129146987-T-C. GRCh37 (hg19) VCF-style: chr6-129468132-T-C.
Other names: c.848T>C, p.Val283Ala (NM_001079823.2); short protein forms V283A.
Identifiers: ClinVar variation 426679 (VCV000426679.11), dbSNP rs376917587, ClinGen allele CA3992449.